The following is an entry in ClinVar:

ClinVar aggregate classification (germline): Uncertain significance (1 of 4 stars; one submission).

gnomAD v4.1: 4 of 1,613,854 alleles (0.00025%); highest among the groups gnomAD compares: Admixed American, 0.0017%; no homozygotes.

Submission:

Labcorp Genetics (formerly Invitae), Labcorp
Classification: Uncertain significance. Last evaluated: 2021-08-28. Review status: criteria provided, single submitter. Criteria: Invitae Variant Classification Sherloc (09022015). Collection method: clinical testing. Allele origin: germline.
Comment: This sequence change replaces cysteine with serine at codon 344 of the HPS3 protein (p.Cys344Ser). The cysteine residue is moderately conserved and there is a moderate physicochemical difference between cysteine and serine. This variant is not present in population databases (ExAC no frequency). This variant has not been reported in the literature in individuals affected with HPS3-related conditions. Algorithms developed to predict the effect of missense changes on protein structure and function are either unavailable or do not agree on the potential impact of this missense change (SIFT: "Tolerated"; PolyPhen-2: "Probably Damaging"; Align-GVGD: "Class C0"). In summary, the available evidence is currently insufficient to determine the role of this variant in disease. Therefore, it has been classified as a Variant of Uncertain Significance.

NM_032383.5(HPS3):c.1031G>C (p.Cys344Ser)

Gene: HPS3 (HPS3 biogenesis of lysosomal organelles complex 2 subunit 1; plus strand). Cytogenetic location: 3q24.
Variant type: single nucleotide variant.
Coding change: c.1031G>C on transcript NM_032383.5 (MANE Select); coding-DNA position 1031, G replaced by C.
Protein change: p.Cys344Ser; replaces cysteine 344 with serine.
Molecular consequence: missense variant.
Genome position (GRCh38, 1-based): chr3:149,145,414, G>C. VCF-style: chr3-149145414-G-C. GRCh37 (hg19) VCF-style: chr3-148863201-G-C.
Other names: c.536G>C, p.Cys179Ser (NM_001308258.2); short protein forms C179S, C344S.
Identifiers: ClinVar variation 1397624 (VCV001397624.5), dbSNP rs966713954, ClinGen allele CA85497786.